The following is an entry in ClinVar:

NM_002979.5(SCP2):c.866A>G (p.Tyr289Cys)

Gene: SCP2 (sterol carrier protein 2; plus strand). Cytogenetic location: 1p32.3.
Variant type: single nucleotide variant.
Coding change: c.866A>G on transcript NM_002979.5 (MANE Select); coding-DNA position 866, A replaced by G.
Protein change: p.Tyr289Cys; replaces tyrosine 289 with cysteine.
Molecular consequence: missense variant.
Genome position (GRCh38, 1-based): chr1:52,980,436, A>G. VCF-style: chr1-52980436-A-G. GRCh37 (hg19) VCF-style: chr1-53446108-A-G.
Other names: c.734A>G, p.Tyr245Cys (NM_001007098.3, NM_001193600.2); c.794A>G, p.Tyr265Cys (NM_001193599.2); c.623A>G, p.Tyr208Cys (NM_001193617.2); c.866A>G, p.Tyr289Cys (NM_001330587.2); c.866A>G (NM_002979.4); short protein forms Y208C, Y245C, Y265C, Y289C.
Identifiers: ClinVar variation 2178181 (VCV002178181.2), dbSNP rs1282243951, ClinGen allele CA340381891.

ClinVar aggregate classification (germline): Uncertain significance. Review status: criteria provided, multiple submitters, no conflicts (2 of 4 stars). 2 submissions from 2 submitters: Uncertain significance (2). Last evaluated 2025-03-26.

gnomAD v4.1: 13 of 1,614,064 alleles (0.00081%); highest among the groups gnomAD compares: Middle Eastern, 0.016%; no homozygotes.

Submissions (2):

Ambry Genetics
Classification: Uncertain significance. Last evaluated: 2025-03-26. Review status: criteria provided, single submitter. Criteria: Ambry Variant Classification Scheme 2023. Collection method: clinical testing. Allele origin: germline.

Labcorp Genetics (formerly Invitae), Labcorp
Classification: Uncertain significance. Last evaluated: 2022-08-15. Review status: criteria provided, single submitter. Criteria: Invitae Variant Classification Sherloc (09022015). Collection method: clinical testing. Allele origin: germline.
Comment: This sequence change replaces tyrosine, which is neutral and polar, with cysteine, which is neutral and slightly polar, at codon 289 of the SCP2 protein (p.Tyr289Cys). This variant is present in population databases (no rsID available, gnomAD 0.002%). This variant has not been reported in the literature in individuals affected with SCP2-related conditions. Algorithms developed to predict the effect of missense changes on protein structure and function (SIFT, PolyPhen-2, Align-GVGD) all suggest that this variant is likely to be disruptive. Algorithms developed to predict the effect of sequence changes on RNA splicing suggest that this variant may create or strengthen a splice site. In summary, the available evidence is currently insufficient to determine the role of this variant in disease. Therefore, it has been classified as a Variant of Uncertain Significance.